The following is an entry in ClinVar:

NM_014797.3(ZBTB24):c.103T>A (p.Phe35Ile)

Gene: ZBTB24 (zinc finger and BTB domain containing 24; minus strand). Cytogenetic location: 6q21.
Variant type: single nucleotide variant.
Coding change: c.103T>A on transcript NM_014797.3 (MANE Select); coding-DNA position 103, T replaced by A.
Protein change: p.Phe35Ile; replaces phenylalanine 35 with isoleucine.
Molecular consequence: missense variant.
Genome position (GRCh38, 1-based): chr6:109,481,924, A>T on the plus strand (T>A on the coding strand, the complement: ZBTB24 is on the minus strand). VCF-style: chr6-109481924-A-T. GRCh37 (hg19) VCF-style: chr6-109803127-A-T.
Other names: c.103T>A, p.Phe35Ile (NM_001164313.2); short protein forms F35I.
Identifiers: ClinVar variation 2083416 (VCV002083416.1), dbSNP rs1776426779, ClinGen allele CA365212082.

ClinVar aggregate classification (germline): Uncertain significance (1 of 4 stars; one submission).

Conditions:
Immunodeficiency-centromeric instability-facial anomalies syndrome 2 (ICF2). Identifiers: Orphanet 2268, MedGen C3279748, MONDO:0013553, OMIM 614069.

Allele frequency attached by ClinVar (database versions not stated): gnomAD exomes below 0.00001; gnomAD 0.00001.
gnomAD v4.1: 4 of 1,614,082 alleles (0.00025%); highest among the groups gnomAD compares: Non-Finnish European, 0.00034%; no homozygotes.

Submission:

Labcorp Genetics (formerly Invitae), Labcorp
Classification: Uncertain significance for Immunodeficiency-centromeric instability-facial anomalies syndrome 2. Last evaluated: 2022-04-04. Review status: criteria provided, single submitter. Criteria: Invitae Variant Classification Sherloc (09022015). Collection method: clinical testing. Allele origin: germline.
Comment: This sequence change replaces phenylalanine, which is neutral and non-polar, with isoleucine, which is neutral and non-polar, at codon 35 of the ZBTB24 protein (p.Phe35Ile). This variant is not present in population databases (gnomAD no frequency). This variant has not been reported in the literature in individuals affected with ZBTB24-related conditions. Algorithms developed to predict the effect of missense changes on protein structure and function are either unavailable or do not agree on the potential impact of this missense change (SIFT: "Not Available"; PolyPhen-2: "Possibly Damaging"; Align-GVGD: "Not Available"). In summary, the available evidence is currently insufficient to determine the role of this variant in disease. Therefore, it has been classified as a Variant of Uncertain Significance.